The following is an entry in ClinVar:

ClinVar aggregate classification (germline): Uncertain significance (1 of 4 stars; one submission).

Conditions:
Familial temporal lobe epilepsy 7. Identifiers: Orphanet 101046, MedGen C4225327, MONDO:0014639, OMIM 616436.
Norman-Roberts syndrome (LIS2). Also called: Lissencephaly 2 (Norman-Roberts type). Identifiers: Orphanet 89844, MedGen C0796089, MONDO:0009760, OMIM 257320.

Allele frequency attached by ClinVar (database versions not stated): gnomAD exomes 0.00001.
gnomAD v4.1: 18 of 1,613,786 alleles (0.0011%); highest among the groups gnomAD compares: African/African-American, 0.013%; no homozygotes.

Submission:

Labcorp Genetics (formerly Invitae), Labcorp
Classification: Uncertain significance for Familial temporal lobe epilepsy 7; Norman-Roberts syndrome. Last evaluated: 2025-02-02. Review status: criteria provided, single submitter. Criteria: Invitae Variant Classification Sherloc (09022015). Collection method: clinical testing. Allele origin: germline.
Comment: This sequence change replaces serine, which is neutral and polar, with phenylalanine, which is neutral and non-polar, at codon 465 of the RELN protein (p.Ser465Phe). This variant is not present in population databases (gnomAD no frequency). This variant has not been reported in the literature in individuals affected with RELN-related conditions. ClinVar contains an entry for this variant (Variation ID: 1015877). Invitae Evidence Modeling of protein sequence and biophysical properties (such as structural, functional, and spatial information, amino acid conservation, physicochemical variation, residue mobility, and thermodynamic stability) indicates that this missense variant is not expected to disrupt RELN protein function with a negative predictive value of 80%. In summary, the available evidence is currently insufficient to determine the role of this variant in disease. Therefore, it has been classified as a Variant of Uncertain Significance.

NM_005045.4(RELN):c.1394C>T (p.Ser465Phe)

Genes: RELN (reelin; minus strand), LOC126860131 (MED14-independent group 3 enhancer GRCh37_chr7:103301048-103302247; plus strand). Cytogenetic location: 7q22.1.
Variant type: single nucleotide variant.
Coding change: c.1394C>T on transcript NM_005045.4 (MANE Select); coding-DNA position 1394, C replaced by T.
Protein change: p.Ser465Phe; replaces serine 465 with phenylalanine.
Molecular consequence: missense variant.
Genome position (GRCh38, 1-based): chr7:103,661,423, G>A on the plus strand (C>T on the coding strand, the complement: RELN is on the minus strand). VCF-style: chr7-103661423-G-A. GRCh37 (hg19) VCF-style: chr7-103301870-G-A.
Other names: c.1394C>T, p.Ser465Phe (NM_173054.3); short protein forms S465F.
Identifiers: ClinVar variation 1015877 (VCV001015877.7), dbSNP rs111409626, ClinGen allele CA163948091.
Genomic context (GRCh38, chr7:103,661,423, plus strand): 5'-AAAATGTACTTACCCATCACAAAGTAAAACCTCAGGTTCCCATAACCGGTAGTGTCCATG[G>A]ATGGAGTGCATAATTTCCTCTCTCCATCTTTGAGGAAGACCATTGATAAGCCTGATTCTA-3'
Protein context (NP_005036.2, residues 455-475): KDGERKLCTP[Ser465Phe]MDTTGYGNLR